The following is an entry in ClinVar:

NM_001374736.1(DST):c.20981A>G (p.Lys6994Arg)

Gene: DST (dystonin; minus strand). Cytogenetic location: 6p12.1.
Variant type: single nucleotide variant.
Coding change: c.20981A>G on transcript NM_001374736.1 (MANE Select); coding-DNA position 20981, A replaced by G.
Protein change: p.Lys6994Arg; replaces lysine 6994 with arginine.
Molecular consequence: missense variant.
Genome position (GRCh38, 1-based): chr6:56,487,170, T>C on the plus strand (A>G on the coding strand, the complement: DST is on the minus strand). VCF-style: chr6-56487170-T-C. GRCh37 (hg19) VCF-style: chr6-56351968-T-C.
Other names: c.14624A>G, p.Lys4875Arg (NM_001144769.5); c.14210A>G, p.Lys4737Arg (NM_001144770.2); c.20981A>G, p.Lys6994Arg (NM_001374722.1); c.20021A>G, p.Lys6674Arg (NM_001374729.1); c.13763A>G, p.Lys4588Arg (NM_001374730.1); c.21008A>G, p.Lys7003Arg (NM_001374734.1); c.13112A>G, p.Lys4371Arg (NM_015548.5); c.14090A>G, p.Lys4697Arg (NM_183380.4); short protein forms K4697R, K6674R, K4588R, K4875R, K6994R, K4371R, K4737R, K7003R.
Identifiers: ClinVar variation 968491 (VCV000968491.7), dbSNP rs747140695, ClinGen allele CA139182780.

ClinVar aggregate classification (germline): Uncertain significance (1 of 4 stars; one submission).

Conditions:
Hereditary sensory and autonomic neuropathy type 6. Also called: Neuropathy, hereditary sensory and autonomic, type VI; HSAN VI. Identifiers: Orphanet 314381, MedGen C3539003, MONDO:0013839, OMIM 614653.
Epidermolysis bullosa simplex 3, localized or generalized intermediate, with BP230 deficiency (EBS3). Also called: Epidermolysis bullosa simplex, autosomal recessive 2; Epidermolysis bullosa simplex due to BP230 deficiency. Identifiers: Orphanet 412181, MedGen C3809470, MONDO:0014180, OMIM 615425.

Allele frequency attached by ClinVar (database versions not stated): gnomAD 0.00001; gnomAD exomes 0.00002.
gnomAD v4.1: 24 of 1,613,806 alleles (0.0015%); highest among the groups gnomAD compares: Non-Finnish European, 0.0019%; no homozygotes.

Submission:

Labcorp Genetics (formerly Invitae), Labcorp
Classification: Uncertain significance for Epidermolysis bullosa simplex 3, localized or generalized intermediate, with BP230 deficiency; Hereditary sensory and autonomic neuropathy type 6. Last evaluated: 2021-10-23. Review status: criteria provided, single submitter. Criteria: Invitae Variant Classification Sherloc (09022015). Collection method: clinical testing. Allele origin: germline.
Comment: In summary, the available evidence is currently insufficient to determine the role of this variant in disease. Therefore, it has been classified as a Variant of Uncertain Significance. Experimental studies and prediction algorithms are not available or were not evaluated, and the functional significance of this variant is currently unknown. This variant has not been reported in the literature in individuals affected with DST-related conditions. This variant is present in population databases (rs747140695, gnomAD 0.004%). This sequence change replaces lysine, which is basic and polar, with arginine, which is basic and polar, at codon 4371 of the DST protein (p.Lys4371Arg). The DST gene has multiple clinically relevant transcripts. This variant occurs in alternate transcript NM_015548.4, and corresponds to NM_001723.5:c.*128347A>G in the primary transcript.